The following is an entry in ClinVar:

ClinVar aggregate classification (germline): Uncertain significance. Review status: criteria provided, multiple submitters, no conflicts (2 of 4 stars). 2 submissions from 2 submitters: Uncertain significance (2). Last evaluated 2024-08-28.

Conditions:
Inborn genetic diseases. Identifiers: MedGen C0950123, MeSH D030342.
Early Myoclonic Encephalopathy. Identifiers: MedGen C0270855.

Allele frequency attached by ClinVar (database versions not stated): TOPMed below 0.00001; gnomAD 0.00001.
gnomAD v4.1: 1 of 1,613,672 alleles (0.000062%); highest among the groups gnomAD compares: Non-Finnish European, 0.000085%; no homozygotes.

Submissions (2):

Ambry Genetics
Classification: Uncertain significance for Inborn genetic diseases. Last evaluated: 2024-08-28. Review status: criteria provided, single submitter. Criteria: Ambry Variant Classification Scheme 2023. Collection method: clinical testing. Allele origin: germline.

Labcorp Genetics (formerly Invitae), Labcorp
Classification: Uncertain significance for Early Myoclonic Encephalopathy. Last evaluated: 2022-12-02. Review status: criteria provided, single submitter. Criteria: Invitae Variant Classification Sherloc (09022015). Collection method: clinical testing. Allele origin: germline.
Comment: In summary, the available evidence is currently insufficient to determine the role of this variant in disease. Therefore, it has been classified as a Variant of Uncertain Significance. Advanced modeling of protein sequence and biophysical properties (such as structural, functional, and spatial information, amino acid conservation, physicochemical variation, residue mobility, and thermodynamic stability) performed at Invitae indicates that this missense variant is not expected to disrupt KCND2 protein function. This variant has not been reported in the literature in individuals affected with KCND2-related conditions. This variant is not present in population databases (gnomAD no frequency). This sequence change replaces proline, which is neutral and non-polar, with leucine, which is neutral and non-polar, at codon 512 of the KCND2 protein (p.Pro512Leu).

NM_012281.3(KCND2):c.1535C>T (p.Pro512Leu)

Gene: KCND2 (potassium voltage-gated channel subfamily D member 2; plus strand). Cytogenetic location: 7q31.31.
Variant type: single nucleotide variant.
Coding change: c.1535C>T on transcript NM_012281.3 (MANE Select); coding-DNA position 1535, C replaced by T.
Protein change: p.Pro512Leu; replaces proline 512 with leucine.
Molecular consequence: missense variant.
Genome position (GRCh38, 1-based): chr7:120,745,847, C>T. VCF-style: chr7-120745847-C-T. GRCh37 (hg19) VCF-style: chr7-120385901-C-T.
Other names: c.1535C>T (NM_012281.2); short protein forms P512L.
Identifiers: ClinVar variation 2818045 (VCV002818045.4), dbSNP rs1397844306, ClinGen allele CA369135451.